The following is an entry in ClinVar:

ClinVar aggregate classification (germline): Likely benign. Review status: criteria provided, multiple submitters, no conflicts (2 of 4 stars). 3 submissions from 3 submitters: Likely benign (3). Last evaluated 2025-08-01.

Conditions:
DICER1-related tumor predisposition. Also called: DICER1 syndrome; DICER1-related pleuropulmonary blastoma cancer predisposition syndrome. Identifiers: Orphanet 284343, MedGen C3839822, MONDO:0100216.
Hereditary cancer-predisposing syndrome. Also called: Hereditary neoplastic syndrome; Tumor predisposition; Neoplastic Syndromes, Hereditary; Hereditary Cancer Syndrome. Identifiers: Orphanet 140162, MedGen C0027672, MeSH D009386, MONDO:0015356.

Allele frequency attached by ClinVar (database versions not stated): gnomAD exomes below 0.00001.
gnomAD v4.1: 2 of 1,614,106 alleles (0.00012%); highest among the groups gnomAD compares: Admixed American, 0.0017%; no homozygotes.

Submissions (3):

CeGaT Center for Human Genetics Tuebingen
Classification: Likely benign. Last evaluated: 2025-08-01. Review status: criteria provided, single submitter. Criteria: CeGaT Center For Human Genetics Tuebingen Variant Classification Criteria Version 2. Collection method: clinical testing. Allele origin: germline. Affected: yes. Observed: 1 variant allele.
Comment: DICER1: BP4, BP7

Ambry Genetics
Classification: Likely benign for Hereditary cancer-predisposing syndrome. Last evaluated: 2025-06-04. Review status: criteria provided, single submitter. Criteria: Ambry Variant Classification Scheme 2023. Collection method: clinical testing. Allele origin: germline.

Labcorp Genetics (formerly Invitae), Labcorp
Classification: Likely benign for DICER1-related tumor predisposition. Last evaluated: 2023-12-27. Review status: criteria provided, single submitter. Criteria: Invitae Variant Classification Sherloc (09022015). Collection method: clinical testing. Allele origin: germline.

NM_177438.3(DICER1):c.4083A>G (p.Lys1361=)

Gene: DICER1 (dicer 1, ribonuclease III; minus strand). Cytogenetic location: 14q32.13.
Variant type: single nucleotide variant.
Coding change: c.4083A>G on transcript NM_177438.3 (MANE Select); coding-DNA position 4083, A replaced by G.
Protein change: p.Lys1361=; no amino-acid change (lysine 1361 retained).
Molecular consequence: synonymous variant.
Genome position (GRCh38, 1-based): chr14:95,099,903, T>C on the plus strand (A>G on the coding strand, the complement: DICER1 is on the minus strand). VCF-style: chr14-95099903-T-C. GRCh37 (hg19) VCF-style: chr14-95566240-T-C.
Other names: c.4083A>G, p.Lys1361= (NM_001195573.1, NM_001271282.3, NM_001291628.2 and 1 more transcripts).
Identifiers: ClinVar variation 477179 (VCV000477179.19), dbSNP rs1555368612, ClinGen allele CA487625804.